The following is an entry in ClinVar:

ClinVar aggregate classification (germline): Uncertain significance (1 of 4 stars; one submission).

Conditions:
STXBP2-related disorder. Also called: STXBP2-related condition.

gnomAD v4.1: 9 of 1,613,730 alleles (0.00056%); highest among the groups gnomAD compares: Non-Finnish European, 0.00076%; no homozygotes.

Submission:

PreventionGenetics, part of Exact Sciences
Classification: Uncertain significance for STXBP2-related condition. Last evaluated: 2026-05-13. Review status: criteria provided, single submitter. Criteria: ACMG Guidelines, 2015. Collection method: clinical testing. Allele origin: germline.
Comment: The STXBP2 c.1163T>C variant is predicted to result in the amino acid substitution p.Leu388Pro. To our knowledge, this variant has not been reported in the literature or in gnomAD. At this time, the clinical significance of this variant is uncertain due to the absence of conclusive functional and genetic evidence.

NM_006949.4(STXBP2):c.1163T>C (p.Leu388Pro)

Gene: STXBP2 (syntaxin binding protein 2; plus strand). Cytogenetic location: 19p13.2.
Variant type: single nucleotide variant.
Coding change: c.1163T>C on transcript NM_006949.4 (MANE Select); coding-DNA position 1163, T replaced by C.
Protein change: p.Leu388Pro; replaces leucine 388 with proline.
Molecular consequence: missense variant. On other transcripts: non-coding transcript variant (1).
Genome position (GRCh38, 1-based): chr19:7,644,669, T>C. VCF-style: chr19-7644669-T-C. GRCh37 (hg19) VCF-style: chr19-7709555-T-C.
Other names: c.1154T>C, p.Leu385Pro (NM_001127396.3); c.1196T>C, p.Leu399Pro (NM_001272034.2); c.1067T>C, p.Leu356Pro (NM_001414484.1); short protein forms L356P, L385P, L388P, L399P.
Identifiers: ClinVar variation 4978095 (VCV004978095.1).